The following is an entry in ClinVar:

NM_005026.5(PIK3CD):c.1955+15C>T

Gene: PIK3CD (phosphatidylinositol-4,5-bisphosphate 3-kinase catalytic subunit delta; plus strand). Cytogenetic location: 1p36.22.
Variant type: single nucleotide variant.
Coding change: c.1955+15C>T on transcript NM_005026.5 (MANE Select); 15 bases into the intron after coding-DNA position 1955, C replaced by T.
Molecular consequence: intron variant.
Genome position (GRCh38, 1-based): chr1:9,721,602, C>T. VCF-style: chr1-9721602-C-T. GRCh37 (hg19) VCF-style: chr1-9781660-C-T.
Other names: c.1952+15C>T (NM_001350234.2); c.1868+15C>T (NM_001350235.1).
Identifiers: ClinVar variation 1032967 (VCV001032967.6), dbSNP rs186998116, ClinGen allele CA577370.

ClinVar aggregate classification (germline): Conflicting classifications of pathogenicity. Review status: criteria provided, conflicting classifications (1 of 4 stars). 2 submissions from 2 submitters: Uncertain significance (1); Likely benign (1). Last evaluated 2025-11-10.

Conditions:
Immunodeficiency 14 (IMD14A). Also called: ACTIVATED PI3K-DELTA SYNDROME 1; IMMUNODEFICIENCY 14A WITH LYMPHOPROLIFERATION, AUTOSOMAL DOMINANT; Activated PI3K Delta Syndrome Type 1 (APDS1); p110-DELTA-ACTIVATING MUTATION CAUSING SENESCENT T CELLS, LYMPHADENOPATHY, AND IMMUNODEFICIENCY. Identifiers: Orphanet 397596, Orphanet 693661, MedGen C5907821, MONDO:0014222, OMIM 615513.

Allele frequency attached by ClinVar (database versions not stated): gnomAD exomes 0.00001 and 0.00005; TOPMed 0.00002; gnomAD 0.00003; ExAC 0.00008; 1000 Genomes Project 30x 0.00047; 1000 Genomes Project 0.00060.
gnomAD v4.1: 22 of 1,612,430 alleles (0.0014%); highest among the groups gnomAD compares: East Asian, 0.045%; no homozygotes.

Submissions (2):

Labcorp Genetics (formerly Invitae), Labcorp
Classification: Likely benign for Activated PI3K-delta syndrome. Last evaluated: 2025-11-10. Review status: criteria provided, single submitter. Criteria: Invitae Variant Classification Sherloc (09022015). Collection method: clinical testing. Allele origin: germline.

Baylor Genetics
Classification: Uncertain significance for Immunodeficiency 14. Last evaluated: 2018-02-06. Review status: criteria provided, single submitter. Criteria: ACMG Guidelines, 2015. Collection method: clinical testing. Allele origin: paternal. Affected: yes.
Comment: This variant was determined to be of uncertain significance according to ACMG Guidelines, 2015 [PMID:25741868].